The following is an entry in ClinVar:

NM_000391.4(TPP1):c.645C>T (p.Asp215=)

Gene: TPP1 (tripeptidyl peptidase 1; minus strand). Cytogenetic location: 11p15.4.
Variant type: single nucleotide variant.
Coding change: c.645C>T on transcript NM_000391.4 (MANE Select); coding-DNA position 645, C replaced by T.
Protein change: p.Asp215=; no amino-acid change (aspartic acid 215 retained).
Molecular consequence: synonymous variant.
Genome position (GRCh38, 1-based): chr11:6,617,017, G>A on the plus strand (C>T on the coding strand, the complement: TPP1 is on the minus strand). VCF-style: chr11-6617017-G-A. GRCh37 (hg19) VCF-style: chr11-6638248-G-A.
Identifiers: ClinVar variation 384149 (VCV000384149.9), dbSNP rs766845531, ClinGen allele CA5858888.

ClinVar aggregate classification (germline): Likely benign. Review status: criteria provided, multiple submitters, no conflicts (2 of 4 stars). 2 submissions from 2 submitters: Likely benign (2). Last evaluated 2026-01-20.

Allele frequency attached by ClinVar (database versions not stated): ExAC 0.00002; gnomAD exomes 0.00003; gnomAD 0.00005 and 0.00007; TOPMed 0.00008.
gnomAD v4.1: 55 of 1,614,000 alleles (0.0034%); highest among the groups gnomAD compares: Middle Eastern, 0.016%; no homozygotes.

Submissions (2):

Labcorp Genetics (formerly Invitae), Labcorp
Classification: Likely benign. Last evaluated: 2026-01-20. Review status: criteria provided, single submitter. Criteria: Invitae Variant Classification Sherloc (09022015). Collection method: clinical testing. Allele origin: germline.

GeneDx
Classification: Likely benign. Last evaluated: 2017-08-28. Review status: criteria provided, single submitter. Criteria: GeneDx Variant Classification (06012015). Collection method: clinical testing. Allele origin: germline. Affected: yes.
Comment: This variant is considered likely benign or benign based on one or more of the following criteria: it is a conservative change, it occurs at a poorly conserved position in the protein, it is predicted to be benign by multiple in silico algorithms, and/or has population frequency not consistent with disease.